The following is an entry in ClinVar:

ClinVar aggregate classification (germline): Conflicting classifications of pathogenicity. Review status: criteria provided, conflicting classifications (1 of 4 stars). 3 submissions from 3 submitters: Uncertain significance (2); Likely benign (1). Last evaluated 2025-02-03.

Conditions:
Inborn genetic diseases. Identifiers: MedGen C0950123, MeSH D030342.

Allele frequency attached by ClinVar (database versions not stated): ExAC 0.00006; gnomAD exomes 0.00006 and 0.00014; TOPMed 0.00008; gnomAD 0.00009; 1000 Genomes Project 30x 0.00016; 1000 Genomes Project 0.00020.
gnomAD v4.1: 225 of 1,614,184 alleles (0.014%); highest among the groups gnomAD compares: Non-Finnish European, 0.018%; no homozygotes.

Submissions (3):

Labcorp Genetics (formerly Invitae), Labcorp
Classification: Uncertain significance. Last evaluated: 2025-02-03. Review status: criteria provided, single submitter. Criteria: Invitae Variant Classification Sherloc (09022015). Collection method: clinical testing. Allele origin: germline.
Comment: This sequence change replaces lysine, which is basic and polar, with asparagine, which is neutral and polar, at codon 443 of the DDX58 protein (p.Lys443Asn). This variant is present in population databases (rs201907575, gnomAD 0.01%). This variant has not been reported in the literature in individuals affected with DDX58-related conditions. ClinVar contains an entry for this variant (Variation ID: 1424302). Invitae Evidence Modeling of protein sequence and biophysical properties (such as structural, functional, and spatial information, amino acid conservation, physicochemical variation, residue mobility, and thermodynamic stability) indicates that this missense variant is not expected to disrupt DDX58 protein function with a negative predictive value of 80%. In summary, the available evidence is currently insufficient to determine the role of this variant in disease. Therefore, it has been classified as a Variant of Uncertain Significance.

Blueprint Genetics
Classification: Likely benign. Last evaluated: 2024-01-31. Review status: criteria provided, single submitter. Criteria: ACMG Guidelines, 2015. Collection method: clinical testing. Allele origin: germline.

Ambry Genetics
Classification: Uncertain significance for Inborn genetic diseases. Last evaluated: 2022-03-11. Review status: criteria provided, single submitter. Criteria: Ambry Variant Classification Scheme 2023. Collection method: clinical testing. Allele origin: germline.

NM_014314.4(RIGI):c.1329A>T (p.Lys443Asn)

Gene: RIGI (RNA sensor RIG-I; minus strand). Cytogenetic location: 9p21.1.
Variant type: single nucleotide variant.
Coding change: c.1329A>T on transcript NM_014314.4 (MANE Select); coding-DNA position 1329, A replaced by T.
Protein change: p.Lys443Asn; replaces lysine 443 with asparagine.
Molecular consequence: missense variant.
Genome position (GRCh38, 1-based): chr9:32,487,517, T>A on the plus strand (A>T on the coding strand, the complement: RIGI is on the minus strand). VCF-style: chr9-32487517-T-A. GRCh37 (hg19) VCF-style: chr9-32487515-T-A.
Other names: c.1329A>T (NM_014314.3); c.1323A>T, p.Lys441Asn (NM_001385907.1); c.1329A>T, p.Lys443Asn (NM_001385909.1); c.888A>T, p.Lys296Asn (NM_001385910.1); c.720A>T, p.Lys240Asn (NM_001385912.1); c.1314A>T, p.Lys438Asn (NM_001385913.1); c.885A>T, p.Lys295Asn (NM_001385914.1); short protein forms K296N, K441N, K438N, K295N, K240N, K443N.
Identifiers: ClinVar variation 1424302 (VCV001424302.7), dbSNP rs201907575, ClinGen allele CA5019866.